The following is an entry in ClinVar:

NM_000431.4(MVK):c.938C>A (p.Ala313Asp)

Gene: MVK (mevalonate kinase; plus strand). Cytogenetic location: 12q24.11.
Variant type: single nucleotide variant.
Coding change: c.938C>A on transcript NM_000431.4 (MANE Select); coding-DNA position 938, C replaced by A.
Protein change: p.Ala313Asp; replaces alanine 313 with aspartic acid.
Molecular consequence: missense variant.
Genome position (GRCh38, 1-based): chr12:109,595,080, C>A. VCF-style: chr12-109595080-C-A. GRCh37 (hg19) VCF-style: chr12-110032885-C-A.
Other names: c.938C>A, p.Ala313Asp (NM_001114185.3, NM_001414511.1, NM_001414513.1); c.782C>A, p.Ala261Asp (NM_001301182.2, NM_001414514.1); c.1013C>A, p.Ala338Asp (NM_001414512.1); c.356C>A, p.Ala119Asp (NM_001414515.1); short protein forms A313D, A338D, A119D, A261D.
Identifiers: ClinVar variation 2130587 (VCV002130587.4), dbSNP rs2548641202, ClinGen allele CA386650545.

ClinVar aggregate classification (germline): Uncertain significance (1 of 4 stars; one submission).

Conditions:
Porokeratosis 3, disseminated superficial actinic type (POROK3). Also called: POROKERATOSIS, DISSEMINATED SUPERFICIAL ACTINIC, 1; POROKERATOSIS 3, MULTIPLE TYPES; POROKERATOSIS 3, MIBELLI TYPE. Identifiers: MedGen C1867981, MONDO:0008293, OMIM 175900.
Hyperimmunoglobulin D with periodic fever (HIDS). Also called: HYPERIMMUNOGLOBULINEMIA D AND PERIODIC FEVER SYNDROME; Hyperimmunoglobulinemia D; Hyperimmunoglobulinemia D with periodic fever. Identifiers: Orphanet 343, MedGen C0398691, MONDO:0009849, OMIM 260920.
Mevalonic aciduria (MEVA). Identifiers: Orphanet 29, MedGen C1959626, MONDO:0012481, OMIM 610377.

Allele frequency attached by ClinVar (database versions not stated): gnomAD exomes below 0.00001.
gnomAD v4.1: 1 of 1,614,218 alleles (0.000062%); highest among the groups gnomAD compares: Non-Finnish European, 0.000085%; no homozygotes.

Submission:

Labcorp Genetics (formerly Invitae), Labcorp
Classification: Uncertain significance for Mevalonic aciduria; Hyperimmunoglobulin D with periodic fever; Porokeratosis 3, disseminated superficial actinic type. Last evaluated: 2022-05-30. Review status: criteria provided, single submitter. Criteria: Invitae Variant Classification Sherloc (09022015). Collection method: clinical testing. Allele origin: germline.
Comment: This variant is not present in population databases (gnomAD no frequency). This sequence change replaces alanine, which is neutral and non-polar, with aspartic acid, which is acidic and polar, at codon 313 of the MVK protein (p.Ala313Asp). This variant has not been reported in the literature in individuals affected with MVK-related conditions. Algorithms developed to predict the effect of missense changes on protein structure and function (SIFT, PolyPhen-2, Align-GVGD) all suggest that this variant is likely to be tolerated. In summary, the available evidence is currently insufficient to determine the role of this variant in disease. Therefore, it has been classified as a Variant of Uncertain Significance.